The following is an entry in ClinVar:

ClinVar aggregate classification (germline): Uncertain significance (1 of 4 stars; one submission).

Conditions:
Cardiovascular phenotype. Identifiers: MedGen CN230736.

Submission:

Ambry Genetics
Classification: Uncertain significance for Cardiovascular phenotype. Last evaluated: 2025-12-30. Review status: criteria provided, single submitter. Criteria: Ambry Variant Classification Scheme 2023. Collection method: clinical testing. Allele origin: germline.
Comment: The p.W512R variant (also known as c.1534T>C), located in coding exon 4 of the JPH2 gene, results from a T to C substitution at nucleotide position 1534. The tryptophan at codon 512 is replaced by arginine, an amino acid with dissimilar properties. This amino acid position is conserved. In addition, this alteration is predicted to be tolerated by in silico analysis. Based on the available evidence, the clinical significance of this variant remains unclear.

NM_020433.5(JPH2):c.1534T>C (p.Trp512Arg)

Gene: JPH2 (junctophilin 2; minus strand). Cytogenetic location: 20q13.12.
Variant type: single nucleotide variant.
Coding change: c.1534T>C on transcript NM_020433.5 (MANE Select); coding-DNA position 1534, T replaced by C.
Protein change: p.Trp512Arg; replaces tryptophan 512 with arginine.
Molecular consequence: missense variant.
Genome position (GRCh38, 1-based): chr20:44,116,141, A>G on the plus strand (T>C on the coding strand, the complement: JPH2 is on the minus strand). VCF-style: chr20-44116141-A-G. GRCh37 (hg19) VCF-style: chr20-42744781-A-G.
Other names: short protein forms W512R.
Identifiers: ClinVar variation 4089462 (VCV004089462.2).